The following is an entry in ClinVar:

NM_001136219.3(FCGR2A):c.497C>T (p.Ser166Phe)

Gene: FCGR2A (Fc gamma receptor IIa; plus strand). Cytogenetic location: 1q23.3.
Variant type: single nucleotide variant.
Coding change: c.497C>T on transcript NM_001136219.3 (MANE Select); coding-DNA position 497, C replaced by T.
Protein change: p.Ser166Phe; replaces serine 166 with phenylalanine.
Molecular consequence: missense variant.
Genome position (GRCh38, 1-based): chr1:161,509,952, C>T. VCF-style: chr1-161509952-C-T. GRCh37 (hg19) VCF-style: chr1-161479742-C-T.
Other names: c.497C>T, p.Ser166Phe (NM_001375296.1); c.494C>T, p.Ser165Phe (NM_001375297.1, NM_021642.5); short protein forms S165F, S166F.
Identifiers: ClinVar variation 1675085 (VCV001675085.2), dbSNP rs1675655979, ClinGen allele CA343347206.

ClinVar aggregate classification (germline): Uncertain significance (1 of 4 stars; one submission).

Conditions:
Cystic fibrosis (CF). Also called: MUCOVISCIDOSIS. Identifiers: Orphanet 586, MedGen C0010674, MONDO:0009061, OMIM 219700. Disease mechanism: loss of function.
Systemic lupus erythematosus (SLE). Identifiers: Orphanet 536, MedGen C0024141, MONDO:0007915, OMIM 152700, HP:0002725.
Malaria, susceptibility to. Identifiers: Orphanet 673, MedGen C1970028, MONDO:0021024, OMIM 611162.

Allele frequency attached by ClinVar (database versions not stated): gnomAD exomes below 0.00001.
gnomAD v4.1: 5 of 1,614,026 alleles (0.00031%); highest among the groups gnomAD compares: African/African-American, 0.0013%; no homozygotes.

Submission:

Center for Genomics, Ann and Robert H. Lurie Children's Hospital of Chicago
Classification: Uncertain significance for Systemic lupus erythematosus; Malaria, susceptibility to; Cystic fibrosis. Review status: criteria provided, single submitter. Criteria: ACMG Guidelines, 2015. Collection method: clinical testing. Allele origin: germline.
Comment: FCGR2A NM_021642.3 exon 4 p.Ser165Phe (c.494C>T):This variant has not been reported in the literature and is not present in large control databases. This variant amino acid Phenylalanine (Phe) is present in several species including multiple mammals and is not well conserved among evolutionarily distant species; this suggests that this variant may not impact the protein. Additional computational prediction tools do not suggest an impact. In summary, data on this variant is insufficient for disease classification. Therefore, the clinical significance of this variant is uncertain